The following is an entry in ClinVar:

NM_001079802.2(FKTN):c.1082A>C (p.Asp361Ala)

Gene: FKTN (fukutin; plus strand). Cytogenetic location: 9q31.2.
Variant type: single nucleotide variant.
Coding change: c.1082A>C on transcript NM_001079802.2 (MANE Select); coding-DNA position 1082, A replaced by C.
Protein change: p.Asp361Ala; replaces aspartic acid 361 with alanine.
Molecular consequence: missense variant. On other transcripts: non-coding transcript variant (2).
Genome position (GRCh38, 1-based): chr9:105,619,971, A>C. VCF-style: chr9-105619971-A-C. GRCh37 (hg19) VCF-style: chr9-108382252-A-C.
Other names: c.1082A>C, p.Asp361Ala (NM_001198963.2, NM_001351496.2, NM_001351498.2 and 1 more transcripts); c.1013A>C, p.Asp338Ala (NM_001351497.2); c.686A>C, p.Asp229Ala (NM_001351499.2, NM_001351500.2, NM_001351501.2 and 1 more transcripts); short protein forms D229A, D338A, D361A.
Identifiers: ClinVar variation 2417089 (VCV002417089.4), dbSNP rs2539749547, ClinGen allele CA374377774.

ClinVar aggregate classification (germline): Uncertain significance. Review status: criteria provided, multiple submitters, no conflicts (2 of 4 stars). 2 submissions from 2 submitters: Uncertain significance (2). Last evaluated 2024-04-09.

Conditions:
Cardiovascular phenotype. Identifiers: MedGen CN230736.
Walker-Warburg congenital muscular dystrophy. Also called: Muscular dystrophy-dystroglycanopathy, type A; Walker-Warburg syndrome. Identifiers: Orphanet 899, MedGen C0265221, MONDO:0000171.

Allele frequency attached by ClinVar (database versions not stated): gnomAD exomes 0.00001.
gnomAD v4.1: 3 of 1,612,802 alleles (0.00019%); highest among the groups gnomAD compares: Non-Finnish European, 0.00025%; no homozygotes.

Submissions (2):

Ambry Genetics
Classification: Uncertain significance for Cardiovascular phenotype. Last evaluated: 2024-04-09. Review status: criteria provided, single submitter. Criteria: Ambry Variant Classification Scheme 2023. Collection method: clinical testing. Allele origin: germline.
Comment: The p.D361A variant (also known as c.1082A>C), located in coding exon 8 of the FKTN gene, results from an A to C substitution at nucleotide position 1082. The aspartic acid at codon 361 is replaced by alanine, an amino acid with dissimilar properties. This amino acid position is conserved. In addition, the in silico prediction for this alteration is inconclusive. Based on the available evidence, the clinical significance of this variant remains unclear.

Labcorp Genetics (formerly Invitae), Labcorp
Classification: Uncertain significance for Walker-Warburg congenital muscular dystrophy. Last evaluated: 2022-02-05. Review status: criteria provided, single submitter. Criteria: Invitae Variant Classification Sherloc (09022015). Collection method: clinical testing. Allele origin: germline.
Comment: This sequence change replaces aspartic acid, which is acidic and polar, with alanine, which is neutral and non-polar, at codon 361 of the FKTN protein (p.Asp361Ala). This variant is not present in population databases (gnomAD no frequency). This variant has not been reported in the literature in individuals affected with FKTN-related conditions. Algorithms developed to predict the effect of missense changes on protein structure and function (SIFT, PolyPhen-2, Align-GVGD) all suggest that this variant is likely to be tolerated. In summary, the available evidence is currently insufficient to determine the role of this variant in disease. Therefore, it has been classified as a Variant of Uncertain Significance.